The following is an entry in ClinVar:

NM_003560.4(PLA2G6):c.211C>T (p.Leu71Phe)

Gene: PLA2G6 (phospholipase A2 group VI; minus strand). Cytogenetic location: 22q13.1.
Variant type: single nucleotide variant.
Coding change: c.211C>T on transcript NM_003560.4 (MANE Select); coding-DNA position 211, C replaced by T.
Protein change: p.Leu71Phe; replaces leucine 71 with phenylalanine.
Molecular consequence: missense variant. On other transcripts: 5 prime UTR variant (3).
Genome position (GRCh38, 1-based): chr22:38,145,652, G>A on the plus strand (C>T on the coding strand, the complement: PLA2G6 is on the minus strand). VCF-style: chr22-38145652-G-A. GRCh37 (hg19) VCF-style: chr22-38541659-G-A.
Other names: c.211C>T, p.Leu71Phe (NM_001004426.3, NM_001199562.3, NM_001349864.2 and 2 more transcripts); c.-324C>T (NM_001349867.2, NM_001349869.2); c.-280C>T (NM_001349868.2); short protein forms L71F.
Identifiers: ClinVar variation 1054165 (VCV001054165.6), dbSNP rs1172782797, ClinGen allele CA411532529.

ClinVar aggregate classification (germline): Uncertain significance (1 of 4 stars; one submission).

Conditions:
Infantile neuroaxonal dystrophy (NBIA2A). Also called: NEURODEGENERATION WITH BRAIN IRON ACCUMULATION 2A; SEITELBERGER DISEASE; Infantile neuroaxonal dystrophy 1. Identifiers: Orphanet 35069, MedGen C0270724, MONDO:0024457, OMIM 256600.

Allele frequency attached by ClinVar (database versions not stated): gnomAD exomes below 0.00001; TOPMed below 0.00001; gnomAD 0.00001.

Submission:

Labcorp Genetics (formerly Invitae), Labcorp
Classification: Uncertain significance for Infantile neuroaxonal dystrophy. Last evaluated: 2021-09-01. Review status: criteria provided, single submitter. Criteria: Invitae Variant Classification Sherloc (09022015). Collection method: clinical testing. Allele origin: germline.
Comment: This sequence change replaces leucine with phenylalanine at codon 71 of the PLA2G6 protein (p.Leu71Phe). The leucine residue is highly conserved and there is a small physicochemical difference between leucine and phenylalanine. This variant is not present in population databases (ExAC no frequency). This variant has not been reported in the literature in individuals affected with PLA2G6-related conditions. Algorithms developed to predict the effect of missense changes on protein structure and function are either unavailable or do not agree on the potential impact of this missense change (SIFT: "Deleterious"; PolyPhen-2: "Possibly Damaging"; Align-GVGD: "Class C15"). In summary, the available evidence is currently insufficient to determine the role of this variant in disease. Therefore, it has been classified as a Variant of Uncertain Significance.